The following is an entry in ClinVar:

ClinVar aggregate classification (germline): Uncertain significance (1 of 4 stars; one submission).

Submission:

Labcorp Genetics (formerly Invitae), Labcorp
Classification: Uncertain significance. Last evaluated: 2024-03-12. Review status: criteria provided, single submitter. Criteria: Invitae Variant Classification Sherloc (09022015). Collection method: clinical testing. Allele origin: germline.
Comment: This variant, c.4_5insTTGCCCCCGCAGTGAAGG, results in the insertion of 6 amino acid(s) of the MRPS7 protein (p.Met1_Ala2insValAlaProAlaValLys), but otherwise preserves the integrity of the reading frame. This variant is not present in population databases (gnomAD no frequency). This variant has not been reported in the literature in individuals affected with MRPS7-related conditions. In summary, the available evidence is currently insufficient to determine the role of this variant in disease. Therefore, it has been classified as a Variant of Uncertain Significance.

NM_015971.4(MRPS7):c.4_5insTTGCCCCCGCAGTGAAGG (p.Met1_Ala2insValAlaProAlaValLys)

Genes: GGA3 (golgi associated, gamma adaptin ear containing, ARF binding protein 3; minus strand), MRPS7 (mitochondrial ribosomal protein S7; plus strand). Cytogenetic location: 17q25.1.
Variant type: Insertion.
Coding change: c.4_5insTTGCCCCCGCAGTGAAGG on transcript NM_015971.4 (MANE Select); coding-DNA positions 4 to 5, TTGCCCCCGCAGTGAAGG inserted.
Protein change: p.Met1_Ala2insValAlaProAlaValLys.
Molecular consequence: inframe insertion, initiator codon variant. On other transcripts: intron variant (2).
Genome position: GRCh38 VCF-style: chr17-75261902-T-TGGTTGCCCCCGCAGTGAA. GRCh37 (hg19) VCF-style: chr17-73257983-T-TGGTTGCCCCCGCAGTGAA.
Other names: c.-228+379_-228+380insCCTTCACTGCGGGGGCAA (NM_001172704.3); c.-177+379_-177+380insCCTTCACTGCGGGGGCAA (NM_001172703.3).
Identifiers: ClinVar variation 3713265 (VCV003713265.2).